The following is an entry in ClinVar:

NM_000719.7(CACNA1C):c.2903A>G (p.Tyr968Cys)

Gene: CACNA1C (calcium voltage-gated channel subunit alpha1 C; plus strand). Cytogenetic location: 12p13.33.
Variant type: single nucleotide variant.
Coding change: c.2903A>G on transcript NM_000719.7 (MANE Select); coding-DNA position 2903, A replaced by G.
Protein change: p.Tyr968Cys; replaces tyrosine 968 with cysteine.
Molecular consequence: missense variant.
Genome position (GRCh38, 1-based): chr12:2,601,903, A>G. VCF-style: chr12-2601903-A-G. GRCh37 (hg19) VCF-style: chr12-2711069-A-G.
Other names: c.2903A>G, p.Tyr968Cys (NM_001129837.2, NM_001129838.2, NM_001129839.2 and 15 more transcripts); c.2894A>G, p.Tyr965Cys (NM_001129844.2); c.2963A>G, p.Tyr988Cys (NM_001129827.2, NM_001129832.2, NM_199460.4); short protein forms Y965C, Y988C, Y968C.
Identifiers: ClinVar variation 4087870 (VCV004087870.1).

ClinVar aggregate classification (germline): Uncertain significance (1 of 4 stars; one submission).

Submission:

GeneDx
Classification: Uncertain significance. Last evaluated: 2025-03-24. Review status: criteria provided, single submitter. Criteria: GeneDx Variant Classification Process June 2021. Collection method: clinical testing. Allele origin: germline. Affected: yes.
Comment: Not observed at significant frequency in large population cohorts (gnomAD); In silico analysis supports that this missense variant has a deleterious effect on protein structure/function; Has not been previously published as pathogenic or benign to our knowledge